The following is an entry in ClinVar:

ClinVar aggregate classification (germline): Conflicting classifications of pathogenicity. Review status: criteria provided, conflicting classifications (1 of 4 stars). 4 submissions from 4 submitters: Uncertain significance (1); Benign (1); Likely benign (2). Last evaluated 2025-08-17.

Conditions:
Hereditary diffuse gastric adenocarcinoma (HDGC). Also called: DIFFUSE GASTRIC AND LOBULAR BREAST CANCER SYNDROME. Identifiers: Orphanet 26106, MedGen C1708349, MONDO:0007648, OMIM 137215.
Hereditary cancer-predisposing syndrome. Also called: Tumor predisposition; Hereditary neoplastic syndrome; Hereditary Cancer Syndrome; Neoplastic Syndromes, Hereditary. Identifiers: Orphanet 140162, MedGen C0027672, MeSH D009386, MONDO:0015356.

Allele frequency attached by ClinVar (database versions not stated): TOPMed below 0.00001; gnomAD 0.00001; gnomAD exomes 0.00001.
gnomAD v4.1: 32 of 1,610,874 alleles (0.002%); highest among the groups gnomAD compares: Non-Finnish European, 0.0027%; no homozygotes.

Submissions (4):

Labcorp Genetics (formerly Invitae), Labcorp
Classification: Likely benign. Last evaluated: 2025-08-17. Review status: criteria provided, single submitter. Criteria: Invitae Variant Classification Sherloc (09022015). Collection method: clinical testing. Allele origin: germline.

Myriad Genetics, Inc.
Classification: Benign for Hereditary diffuse gastric adenocarcinoma. Last evaluated: 2024-10-14. Review status: criteria provided, single submitter. Criteria: Myriad Autosomal Dominant, Autosomal Recessive and X-Linked Classification Criteria (2023). Collection method: clinical testing. Allele origin: unknown.
Comment: This variant is considered benign. This variant is a silent/synonymous amino acid change and it is not expected to impact splicing.

GeneDx
Classification: Uncertain significance. Last evaluated: 2023-10-03. Review status: criteria provided, single submitter. Criteria: GeneDx Variant Classification Process June 2021. Collection method: clinical testing. Allele origin: germline. Affected: yes.
Comment: Not observed at significant frequency in large population cohorts (gnomAD); In silico analysis supports that this variant does not alter splicing; Has not been previously published as pathogenic or benign to our knowledge

Ambry Genetics
Classification: Likely benign for Hereditary cancer-predisposing syndrome. Last evaluated: 2020-11-16. Review status: criteria provided, single submitter. Criteria: Ambry Variant Classification Scheme 2023. Collection method: clinical testing. Allele origin: germline.

NM_001903.5(CTNNA1):c.2016C>A (p.Ile672=)

Gene: CTNNA1 (catenin alpha 1; plus strand). Cytogenetic location: 5q31.2.
Variant type: single nucleotide variant.
Coding change: c.2016C>A on transcript NM_001903.5 (MANE Select); coding-DNA position 2016, C replaced by A.
Protein change: p.Ile672=; no amino-acid change (isoleucine 672 retained).
Molecular consequence: synonymous variant.
Genome position (GRCh38, 1-based): chr5:138,930,478, C>A. VCF-style: chr5-138930478-C-A. GRCh37 (hg19) VCF-style: chr5-138266167-C-A.
Other names: c.2016C>A, p.Ile672= (NM_001290307.3, NM_001323982.2, NM_001323983.1 and 2 more transcripts); c.1707C>A, p.Ile569= (NM_001290309.3); c.1647C>A, p.Ile549= (NM_001290310.3); c.906C>A, p.Ile302= (NM_001290312.1, NM_001323987.1, NM_001323988.1 and 17 more transcripts); c.1923C>A, p.Ile641= (NM_001323986.2); c.567C>A, p.Ile189= (NM_001324006.1, NM_001324007.1, NM_001324008.1 and 2 more transcripts); c.813C>A, p.Ile271= (NM_001324011.1); c.663C>A, p.Ile221= (NM_001324012.1, NM_001324013.1).
Identifiers: ClinVar variation 700723 (VCV000700723.15), dbSNP rs1363433371, ClinGen allele CA446597804.